The following is an entry in ClinVar:

NM_182961.4(SYNE1):c.22777G>T (p.Val7593Phe)

Gene: SYNE1 (spectrin repeat containing nuclear envelope protein 1; minus strand). Cytogenetic location: 6q25.2.
Variant type: single nucleotide variant.
Coding change: c.22777G>T on transcript NM_182961.4 (MANE Select); coding-DNA position 22777, G replaced by T.
Protein change: p.Val7593Phe; replaces valine 7593 with phenylalanine.
Molecular consequence: missense variant.
Genome position (GRCh38, 1-based): chr6:152,208,019, C>A on the plus strand (G>T on the coding strand, the complement: SYNE1 is on the minus strand). VCF-style: chr6-152208019-C-A. GRCh37 (hg19) VCF-style: chr6-152529154-C-A.
Other names: c.22564G>T, p.Val7522Phe (NM_033071.5); short protein forms V7593F, V7522F.
Identifiers: ClinVar variation 1422692 (VCV001422692.8), dbSNP rs2076839550, ClinGen allele CA366095722.

ClinVar aggregate classification (germline): Uncertain significance (1 of 4 stars; one submission).

Conditions:
Emery-Dreifuss muscular dystrophy 4, autosomal dominant (EDMD4). Also called: EMERY-DREIFUSS MUSCULAR DYSTROPHY 4 WITH VARIABLE FEATURES. Identifiers: Orphanet 261, MedGen C2751807, MONDO:0013071, OMIM 612998.
Autosomal recessive ataxia, Beauce type. Also called: Spinocerebellar ataxia, autosomal recessive 8; ATAXIA, RECESSIVE, OF BEAUCE; SYNE1 Deficiency; SYNE1-Related Autosomal Recessive Cerebellar Ataxia. Identifiers: Orphanet 88644, MedGen C1853116, MONDO:0012549, OMIM 610743.

Allele frequency attached by ClinVar (database versions not stated): gnomAD exomes below 0.00001.
gnomAD v4.1: 2 of 1,614,186 alleles (0.00012%); highest among the groups gnomAD compares: South Asian, 0.0022%; no homozygotes.

Submission:

Labcorp Genetics (formerly Invitae), Labcorp
Classification: Uncertain significance for Emery-Dreifuss muscular dystrophy 4, autosomal dominant; Autosomal recessive ataxia, Beauce type. Last evaluated: 2021-04-20. Review status: criteria provided, single submitter. Criteria: Invitae Variant Classification Sherloc (09022015). Collection method: clinical testing. Allele origin: germline.
Comment: In summary, the available evidence is currently insufficient to determine the role of this variant in disease. Therefore, it has been classified as a Variant of Uncertain Significance. Algorithms developed to predict the effect of missense changes on protein structure and function are either unavailable or do not agree on the potential impact of this missense change (SIFT: "Deleterious"; PolyPhen-2: "Benign"; Align-GVGD: "Class C0"). This variant has not been reported in the literature in individuals with SYNE1-related conditions. This variant is not present in population databases (ExAC no frequency). This sequence change replaces valine with phenylalanine at codon 7522 of the SYNE1 protein (p.Val7522Phe). The valine residue is moderately conserved and there is a small physicochemical difference between valine and phenylalanine.